The following is an entry in ClinVar:

ClinVar aggregate classification (germline): Conflicting classifications of pathogenicity. Review status: criteria provided, conflicting classifications (1 of 4 stars). 4 submissions from 4 submitters: Likely pathogenic (1); Uncertain significance (3). Last evaluated 2025-02-05.

Conditions:
Inborn genetic diseases. Identifiers: MedGen C0950123, MeSH D030342.
Joubert syndrome. Also called: JOUBERT-BOLTSHAUSER SYNDROME; Familial aplasia of the vermis. Identifiers: Orphanet 475, MedGen C5979921, MONDO:0018772.
Joubert syndrome 3 (JBTS3). Also called: AHI1-related Ciliopathy. Identifiers: Orphanet 220493, MedGen C1837713, MONDO:0012078, OMIM 608629.

gnomAD v4.1: 2 of 1,544,124 alleles (0.00013%); highest among the groups gnomAD compares: East Asian, 0.0023%; no homozygotes.

Submissions (4):

Ambry Genetics
Classification: Uncertain significance for Inborn genetic diseases. Last evaluated: 2025-02-05. Review status: criteria provided, single submitter. Criteria: Ambry Variant Classification Scheme 2023. Collection method: clinical testing. Allele origin: germline.

Labcorp Genetics (formerly Invitae), Labcorp
Classification: Likely pathogenic for Joubert syndrome. Last evaluated: 2024-12-02. Review status: criteria provided, single submitter. Criteria: Invitae Variant Classification Sherloc (09022015). Collection method: clinical testing. Allele origin: germline.
Comment: This sequence change replaces aspartic acid, which is acidic and polar, with alanine, which is neutral and non-polar, at codon 828 of the AHI1 protein (p.Asp828Ala). This variant is not present in population databases (gnomAD no frequency). This missense change has been observed in individuals with clinical features of retinitis pigmentosa (internal data). ClinVar contains an entry for this variant (Variation ID: 867068). Invitae Evidence Modeling of protein sequence and biophysical properties (such as structural, functional, and spatial information, amino acid conservation, physicochemical variation, residue mobility, and thermodynamic stability) indicates that this missense variant is expected to disrupt AHI1 protein function with a positive predictive value of 95%. In summary, the currently available evidence indicates that the variant is pathogenic, but additional data are needed to prove that conclusively. Therefore, this variant has been classified as Likely Pathogenic.

Fulgent Genetics
Classification: Uncertain significance for Joubert syndrome 3. Last evaluated: 2021-11-17. Review status: criteria provided, single submitter. Criteria: ACMG Guidelines, 2015. Collection method: clinical testing. Allele origin: unknown.

Blueprint Genetics
Classification: Uncertain significance. Last evaluated: 2018-09-26. Review status: criteria provided, single submitter. Criteria: ACMG Guidelines, 2015. Collection method: clinical testing. Allele origin: germline.

NM_001134831.2(AHI1):c.2483A>C (p.Asp828Ala)

Gene: AHI1 (Abelson helper integration site 1; minus strand). Cytogenetic location: 6q23.3.
Variant type: single nucleotide variant.
Coding change: c.2483A>C on transcript NM_001134831.2 (MANE Select); coding-DNA position 2483, A replaced by C.
Protein change: p.Asp828Ala; replaces aspartic acid 828 with alanine.
Molecular consequence: missense variant.
Genome position (GRCh38, 1-based): chr6:135,429,891, T>G on the plus strand (A>C on the coding strand, the complement: AHI1 is on the minus strand). VCF-style: chr6-135429891-T-G. GRCh37 (hg19) VCF-style: chr6-135751029-T-G.
Other names: c.2483A>C, p.Asp828Ala (NM_001134830.2, NM_001134832.2, NM_001350503.2 and 2 more transcripts); short protein forms D828A.
Identifiers: ClinVar variation 867068 (VCV000867068.9), dbSNP rs1784406093, ClinGen allele CA365742550.